The following is an entry in ClinVar:

NM_016042.4(EXOSC3):c.545A>T (p.Asp182Val)

Gene: EXOSC3 (exosome component 3; minus strand). Cytogenetic location: 9p13.2.
Variant type: single nucleotide variant.
Coding change: c.545A>T on transcript NM_016042.4 (MANE Select); coding-DNA position 545, A replaced by T.
Protein change: p.Asp182Val; replaces aspartic acid 182 with valine.
Molecular consequence: missense variant. On other transcripts: intron variant (1).
Genome position (GRCh38, 1-based): chr9:37,782,067, T>A on the plus strand (A>T on the coding strand, the complement: EXOSC3 is on the minus strand). VCF-style: chr9-37782067-T-A. GRCh37 (hg19) VCF-style: chr9-37782064-T-A.
Other names: c.475-1187A>T (NM_001002269.2); short protein forms D182V.
Identifiers: ClinVar variation 2577123 (VCV002577123.1), dbSNP rs2489883346, ClinGen allele CA373475095.

ClinVar aggregate classification (germline): Uncertain significance (1 of 4 stars; one submission).

Allele frequency attached by ClinVar (database versions not stated): gnomAD exomes below 0.00001.
gnomAD v4.1: 1 of 1,614,180 alleles (0.000062%); highest among the groups gnomAD compares: Non-Finnish European, 0.000085%; no homozygotes.

Submission:

Women's Health and Genetics/Laboratory Corporation of America, LabCorp
Classification: Uncertain significance. Last evaluated: 2023-07-17. Review status: criteria provided, single submitter. Criteria: LabCorp Variant Classification Summary - May 2015. Collection method: clinical testing. Allele origin: germline.
Comment: Variant summary: EXOSC3 c.545A>T (p.Asp182Val) results in a non-conservative amino acid change located in the Rrp40, S1 domain (IPR037319) of the encoded protein sequence. Four of five in-silico tools predict a damaging effect of the variant on protein function. The variant was absent in 251396 control chromosomes (gnomAD). The available data on variant occurrences in the general population are insufficient to allow any conclusion about variant significance. c.545A>T has been reported in the literature in an individual(s) affected with Pontocerebellar Hypoplasia (Nuevo_2022). This report does not provide unequivocal conclusions about association of the variant with Pontocerebellar Hypoplasia, Type 1B. To our knowledge, no experimental evidence demonstrating an impact on protein function has been reported. The following publication has been ascertained in the context of this evaluation (PMID: 34085948). No submitters have cited clinical-significance assessments for this variant to ClinVar after 2014. Based on the evidence outlined above, the variant was classified as uncertain significance.

Literature cited by the submitters: PubMed 34085948.